The following is an entry in ClinVar:

NM_001035.3(RYR2):c.3586G>T (p.Asp1196Tyr)

Gene: RYR2 (ryanodine receptor 2; plus strand). Cytogenetic location: 1q43.
Variant type: single nucleotide variant.
Coding change: c.3586G>T on transcript NM_001035.3 (MANE Select); coding-DNA position 3586, G replaced by T.
Protein change: p.Asp1196Tyr; replaces aspartic acid 1196 with tyrosine.
Molecular consequence: missense variant.
Genome position (GRCh38, 1-based): chr1:237,569,307, G>T. VCF-style: chr1-237569307-G-T. GRCh37 (hg19) VCF-style: chr1-237732607-G-T.
Other names: short protein forms D1196Y.
Identifiers: ClinVar variation 2587837 (VCV002587837.2), dbSNP rs2546448539, ClinGen allele CA345390852.
Genomic context (GRCh38, chr1:237,569,307, plus strand): 5'-ACACTGAATGGTGAAATCCTTCTTGATGATTCAGGCTCAGAACTGGCTTTCAAGGACTTT[G>T]ATGTTGGCGATGGTAAGTCTACTATGTTTTGTGTTTTTTTTAAGTTTGCAGCACAAGGAA-3'
Protein context (NP_001026.2, residues 1186-1206): SGSELAFKDF[Asp1196Tyr]VGDGFIPVCS

ClinVar aggregate classification (germline): Uncertain significance (1 of 4 stars; one submission).

Conditions:
Cardiovascular phenotype. Identifiers: MedGen CN230736.

Submission:

Ambry Genetics
Classification: Uncertain significance for Cardiovascular phenotype. Last evaluated: 2023-09-06. Review status: criteria provided, single submitter. Criteria: Ambry Variant Classification Scheme 2023. Collection method: clinical testing. Allele origin: germline.
Comment: The p.D1196Y variant (also known as c.3586G>T), located in coding exon 29 of the RYR2 gene, results from a G to T substitution at nucleotide position 3586. The aspartic acid at codon 1196 is replaced by tyrosine, an amino acid with highly dissimilar properties. This amino acid position is poorly conserved in available vertebrate species. In addition, the in silico prediction for this alteration is inconclusive. Since supporting evidence is limited at this time, the clinical significance of this alteration remains unclear.